The following is an entry in ClinVar:

NM_000057.4(BLM):c.2168A>G (p.Gln723Arg)

Gene: BLM (BLM RecQ like helicase; plus strand). Cytogenetic location: 15q26.1.
Variant type: single nucleotide variant.
Coding change: c.2168A>G on transcript NM_000057.4 (MANE Select); coding-DNA position 2168, A replaced by G.
Protein change: p.Gln723Arg; replaces glutamine 723 with arginine.
Molecular consequence: missense variant.
Genome position (GRCh38, 1-based): chr15:90,765,389, A>G. VCF-style: chr15-90765389-A-G. GRCh37 (hg19) VCF-style: chr15-91308619-A-G.
Other names: c.2168A>G, p.Gln723Arg (NM_001287246.2, NM_001287247.2); c.1043A>G, p.Gln348Arg (NM_001287248.2); short protein forms Q348R, Q723R.
Identifiers: ClinVar variation 3600918 (VCV003600918.1).

ClinVar aggregate classification (germline): Uncertain significance (1 of 4 stars; one submission).

Submission:

GeneDx
Classification: Uncertain significance. Last evaluated: 2024-07-22. Review status: criteria provided, single submitter. Criteria: GeneDx Variant Classification Process June 2021. Collection method: clinical testing. Allele origin: germline. Affected: yes.
Comment: Not observed at significant frequency in large population cohorts (gnomAD); In silico analysis supports that this missense variant has a deleterious effect on protein structure/function; Has not been previously published as pathogenic or benign to our knowledge